The following is an entry in ClinVar:

NM_001276270.2(MBD4):c.826G>C (p.Glu276Gln)

Gene: MBD4 (methyl-CpG binding domain 4, DNA glycosylase; minus strand). Cytogenetic location: 3q21.3.
Variant type: single nucleotide variant.
Coding change: c.826G>C on transcript NM_001276270.2 (MANE Select); coding-DNA position 826, G replaced by C.
Protein change: p.Glu276Gln; replaces glutamic acid 276 with glutamine.
Molecular consequence: missense variant. On other transcripts: intron variant (1).
Genome position (GRCh38, 1-based): chr3:129,436,818, C>G on the plus strand (G>C on the coding strand, the complement: MBD4 is on the minus strand). VCF-style: chr3-129436818-C-G. GRCh37 (hg19) VCF-style: chr3-129155661-C-G.
Other names: c.247+990G>C (NM_001276273.2); c.826G>C, p.Glu276Gln (NM_001276271.2, NM_001276272.2, NM_003925.3); short protein forms E276Q.
Identifiers: ClinVar variation 3671308 (VCV003671308.2).

ClinVar aggregate classification (germline): Uncertain significance (1 of 4 stars; one submission).

Submission:

Labcorp Genetics (formerly Invitae), Labcorp
Classification: Uncertain significance. Last evaluated: 2026-01-11. Review status: criteria provided, single submitter. Criteria: Invitae Variant Classification Sherloc (09022015). Collection method: clinical testing. Allele origin: germline.
Comment: This sequence change replaces glutamic acid, which is acidic and polar, with glutamine, which is neutral and polar, at codon 276 of the MBD4 protein (p.Glu276Gln). This variant is not present in population databases (gnomAD no frequency). This variant has not been reported in the literature in individuals affected with MBD4-related conditions. ClinVar contains an entry for this variant (Variation ID: 3671308). An algorithm developed to predict the effect of missense changes on protein structure and function (PolyPhen-2) suggests that this variant is likely to be disruptive. In summary, the available evidence is currently insufficient to determine the role of this variant in disease. Therefore, it has been classified as a Variant of Uncertain Significance.